The following is an entry in ClinVar:

ClinVar aggregate classification (germline): Uncertain significance (1 of 4 stars; one submission).

Submission:

GeneDx
Classification: Uncertain significance. Last evaluated: 2023-11-21. Review status: criteria provided, single submitter. Criteria: GeneDx Variant Classification Process June 2021. Collection method: clinical testing. Allele origin: germline. Affected: yes.
Comment: Not observed at significant frequency in large population cohorts (gnomAD); In silico analysis supports that this missense variant does not alter protein structure/function; Has not been previously published as pathogenic or benign to our knowledge.

NM_001378964.1(CDON):c.501T>G (p.Asn167Lys)

Gene: CDON (cell adhesion associated, oncogene regulated; minus strand). Cytogenetic location: 11q24.2.
Variant type: single nucleotide variant.
Coding change: c.501T>G on transcript NM_001378964.1 (MANE Select); coding-DNA position 501, T replaced by G.
Protein change: p.Asn167Lys; replaces asparagine 167 with lysine.
Molecular consequence: missense variant.
Genome position (GRCh38, 1-based): chr11:126,018,469, A>C on the plus strand (T>G on the coding strand, the complement: CDON is on the minus strand). VCF-style: chr11-126018469-A-C. GRCh37 (hg19) VCF-style: chr11-125888364-A-C.
Other names: c.501T>G, p.Asn167Lys (NM_001243597.3, NM_016952.6); short protein forms N167K.
Identifiers: ClinVar variation 3364799 (VCV003364799.1).
Genomic context (GRCh38, chr11:126,018,469, plus strand): 5'-TCCCTTGTCCTCTAAGGATACATTCAAAATCTGAAGATTTCCTGATGGAAGGATTAAGTA[A>C]TTCTCTGAGGAAGGAAGGGAGTGCAGTTAGGCCTCTCCCTTTATGAAGGACACCACAGCA-3'
Protein context (NP_001365893.1, residues 157-177): RGKWLEHSTE[Asn167Lys]YLILPSGNLQ